The following is an entry in ClinVar:

NM_001042492.3(NF1):c.6805C>T (p.Arg2269Cys)

Gene: NF1 (neurofibromin 1; plus strand). Cytogenetic location: 17q11.2.
Variant type: single nucleotide variant.
Coding change: c.6805C>T on transcript NM_001042492.3 (MANE Select); coding-DNA position 6805, C replaced by T.
Protein change: p.Arg2269Cys; replaces arginine 2269 with cysteine.
Molecular consequence: missense variant.
Genome position (GRCh38, 1-based): chr17:31,338,125, C>T. VCF-style: chr17-31338125-C-T. GRCh37 (hg19) VCF-style: chr17-29665143-C-T.
Other names: c.6742C>T, p.Arg2248Cys (NM_000267.4); short protein forms R2248C, R2269C.
Identifiers: ClinVar variation 480104 (VCV000480104.18), dbSNP rs1555534961, ClinGen allele CA399014196.
Genomic context (GRCh38, chr17:31,338,125, plus strand): 5'-CTTGTTGTCTTTGGGTGTATTAGCAAACGAGTGTCTCATGGGCAGATAAAGCAGATAATC[C>T]GTATTCTTAGCAAGGTACCTGTTCCGCCCTCACTTCTCCCAAATATTTATGGTTCTCAAG-3'
Protein context (NP_001035957.1, residues 2259-2279): VSHGQIKQII[Arg2269Cys]ILSKALESCL

ClinVar aggregate classification (germline): Conflicting classifications of pathogenicity. Review status: criteria provided, conflicting classifications (1 of 4 stars). 5 submissions from 5 submitters: Uncertain significance (4); Likely benign (1). Last evaluated 2025-11-16.

Conditions:
Cardiovascular phenotype. Identifiers: MedGen CN230736.
Hereditary cancer-predisposing syndrome. Also called: Hereditary neoplastic syndrome; Neoplastic Syndromes, Hereditary; Tumor predisposition; Hereditary Cancer Syndrome. Identifiers: Orphanet 140162, MedGen C0027672, MeSH D009386, MONDO:0015356.
Neurofibromatosis, type 1 (NF1). Also called: VON RECKLINGHAUSEN DISEASE; Peripheral type neurofibromatosis; NEUROFIBROMATOSIS, TYPE I, SOMATIC; Neurofibromatosis, type I. Identifiers: Orphanet 636, MedGen C0027831, MONDO:0018975, OMIM 162200. Disease mechanism: loss of function.

Allele frequency attached by ClinVar (database versions not stated): gnomAD exomes below 0.00001.
gnomAD v4.1: 5 of 1,612,290 alleles (0.00031%); highest among the groups gnomAD compares: Non-Finnish European, 0.00034%; no homozygotes.

Submissions (5):

Labcorp Genetics (formerly Invitae), Labcorp
Classification: Likely benign for Neurofibromatosis, type 1. Last evaluated: 2025-11-16. Review status: criteria provided, single submitter. Criteria: Invitae Variant Classification Sherloc (09022015). Collection method: clinical testing. Allele origin: germline.

Center for Genomic Medicine, Rigshospitalet, Copenhagen University Hospital
Classification: Uncertain significance. Last evaluated: 2025-03-04. Review status: criteria provided, single submitter. Criteria: ACMG Guidelines, 2015. Collection method: clinical testing. Allele origin: germline.

Ambry Genetics
Classification: Uncertain significance for Cardiovascular phenotype; Hereditary cancer-predisposing syndrome. Last evaluated: 2022-12-05. Review status: criteria provided, single submitter. Criteria: Ambry Variant Classification Scheme 2023. Collection method: clinical testing. Allele origin: germline.

Genome-Nilou Lab
Classification: Uncertain significance for Neurofibromatosis, type 1. Last evaluated: 2022-03-15. Review status: criteria provided, single submitter. Criteria: ACMG Guidelines, 2015. Collection method: clinical testing. Allele origin: germline. Affected: no.

Women's Health and Genetics/Laboratory Corporation of America, LabCorp
Classification: Uncertain significance. Last evaluated: 2022-01-16. Review status: criteria provided, single submitter. Criteria: LabCorp Variant Classification Summary - May 2015. Collection method: clinical testing. Allele origin: germline.
Comment: Variant summary: NF1 c.6742C>T (p.Arg2248Cys) results in a non-conservative amino acid change in the encoded protein sequence. Four of five in-silico tools predict a damaging effect of the variant on protein function. The variant was absent in 251428 control chromosomes. The available data on variant occurrences in the general population are insufficient to allow any conclusion about variant significance. To our knowledge, no occurrence of c.6742C>T in individuals affected with Neurofibromatosis Type 1 and no experimental evidence demonstrating its impact on protein function have been reported. Two clinical diagnostic laboratories have submitted clinical-significance assessments for this variant to ClinVar after 2014 without evidence for independent evaluation. All laboratories classified the variant as uncertain significance. Based on the evidence outlined above, the variant was classified as uncertain significance.

Literature cited by the submitters: PubMed 27838393 (cited by Center for Genomic Medicine, Rigshospitalet, Copenhagen University Hospital).